The following is an entry in ClinVar:

NM_003907.3(EIF2B5):c.664C>T (p.Arg222Trp)

Gene: EIF2B5 (eukaryotic translation initiation factor 2B subunit epsilon; plus strand). Cytogenetic location: 3q27.1.
Variant type: single nucleotide variant.
Coding change: c.664C>T on transcript NM_003907.3 (MANE Select); coding-DNA position 664, C replaced by T.
Protein change: p.Arg222Trp; replaces arginine 222 with tryptophan.
Molecular consequence: missense variant.
Genome position (GRCh38, 1-based): chr3:184,138,055, C>T. VCF-style: chr3-184138055-C-T. GRCh37 (hg19) VCF-style: chr3-183855843-C-T.
Other names: c.664C>T (NM_003907.2); short protein forms R222W.
Identifiers: ClinVar variation 1517580 (VCV001517580.16), dbSNP rs151061485, ClinGen allele CA2726437.

ClinVar aggregate classification (germline): Conflicting classifications of pathogenicity. Review status: criteria provided, conflicting classifications (1 of 4 stars). 5 submissions from 5 submitters: Likely pathogenic (4); Uncertain significance (1). Last evaluated 2026-01-26.

Conditions:
Leukoencephalopathy with vanishing white matter 5 (VWM5). Also called: Leukoencephalopathy with vanishing white matter 5, with or without ovarian failure; EIF2B5-Related Childhood Ataxia with Central Nervous System Hypomyelination/Vanishing White Matter. Identifiers: MedGen C5779973, MONDO:0957873, OMIM 620315.
Vanishing white matter disease. Also called: CACH syndrome; Childhood ataxia with diffuse central nervous system hypomyelination; Leukoencephalopathy with vanishing white matter; CACH/VWM syndrome; Cree leukoencehalopathy. Identifiers: Orphanet 135, Orphanet 99853, MedGen C1858991, MONDO:0800448.

Allele frequency attached by ClinVar (database versions not stated): gnomAD 0.00002; TOPMed 0.00005; ESP Exome Variant Server 0.00008; gnomAD exomes 0.00001; ExAC 0.00002.

Submissions (5):

Labcorp Genetics (formerly Invitae), Labcorp
Classification: Likely pathogenic. Last evaluated: 2026-01-26. Review status: criteria provided, single submitter. Criteria: Invitae Variant Classification Sherloc (09022015). Collection method: clinical testing. Allele origin: germline.
Comment: This sequence change replaces arginine, which is basic and polar, with tryptophan, which is neutral and slightly polar, at codon 222 of the EIF2B5 protein (p.Arg222Trp). This variant is present in population databases (rs151061485, gnomAD 0.003%). This missense change has been observed in individual(s) with clinical features of leukoencephalopathy with vanishing white matter (PMID: 21676421, 37171481; internal data). In at least one individual the data is consistent with being in trans (on the opposite chromosome) from a pathogenic variant. ClinVar contains an entry for this variant (Variation ID: 1517580). Invitae Evidence Modeling of protein sequence and biophysical properties (such as structural, functional, and spatial information, amino acid conservation, physicochemical variation, residue mobility, and thermodynamic stability) has been performed for this missense variant. However, the output from this modeling did not meet the statistical confidence thresholds required to predict the impact of this variant on EIF2B5 protein function. Algorithms developed to predict the effect of sequence changes on RNA splicing suggest that this variant may disrupt the consensus splice site. In summary, the currently available evidence indicates that the variant is pathogenic, but additional data are needed to prove that conclusively. Therefore, this variant has been classified as Likely Pathogenic.

Natera, Inc.
Classification: Likely pathogenic for Leukoencephalopathy with vanishing white matter. Last evaluated: 2025-09-29. Review status: criteria provided, single submitter. Criteria: Natera Variant Classification Schema (03/2026). Collection method: clinical testing. Allele origin: germline.
Comment: The c.664C>T variant in EIF2B5 is a missense variant predicted to cause substitution of arginine to tryptophan at amino acid 222. This variant is rare in the general population with a frequency below the threshold expected for the associated phenotype(s). This variant has been observed in one or more individuals affected with the associated recessive disease, as either homozygous or compound heterozygous with a second variant (PMID: 20016818, 35389136, 37171481). Additionally, this variant has been observed to segregate in affected family members (PMID: 35389136). Computational prediction algorithms indicate this variant is likely to affect gene or protein function. Given the available evidence, this variant is classified as Likely Pathogenic.

Fulgent Genetics
Classification: Likely pathogenic for Leukoencephalopathy with vanishing white matter 5. Last evaluated: 2024-03-29. Review status: criteria provided, single submitter. Criteria: ACMG Guidelines, 2015. Collection method: clinical testing. Allele origin: germline.

Institute of Human Genetics, University of Leipzig Medical Center
Classification: Uncertain significance for Leukoencephalopathy with vanishing white matter 5. Last evaluated: 2024-01-29. Review status: criteria provided, single submitter. Criteria: ACMG Guidelines, 2015. Collection method: clinical testing. Allele origin: maternal. Inheritance: Autosomal recessive inheritance. Affected: yes.
Comment: Criteria applied: PM2_SUP,PM3_SUP,PP3

Juno Genomics, Hangzhou Juno Genomics, Inc
Classification: Likely pathogenic for Leukoencephalopathy with vanishing white matter 5. Review status: criteria provided, single submitter. Criteria: ACMG Guidelines, 2015. Collection method: clinical testing. Allele origin: germline.
Comment: Absent from controls (or at extremely low frequency if recessive) in Genome Aggregation Database.;Multiple lines of computational evidence support a deleterious effect on the gene or gene product.;For recessive disorders, detected in trans with a pathogenic variant.

Literature cited by the submitters: PubMed 21676421 (cited by Labcorp Genetics (formerly Invitae), Labcorp); PubMed 37171481 (cited by Labcorp Genetics (formerly Invitae), Labcorp and Natera, Inc.); PubMed 20016818 (cited by Natera, Inc.); PubMed 35389136 (cited by Natera, Inc.).